The following is an entry in ClinVar:

ClinVar aggregate classification (germline): Uncertain significance. Review status: criteria provided, multiple submitters, no conflicts (2 of 4 stars). 2 submissions from 2 submitters: Uncertain significance (2). Last evaluated 2026-05-08.

Allele frequency attached by ClinVar (database versions not stated): gnomAD exomes below 0.00001; ExAC 0.00001; gnomAD 0.00001; ESP Exome Variant Server 0.00008.
gnomAD v4.1: 2 of 1,613,864 alleles (0.00012%); highest among the groups gnomAD compares: Non-Finnish European, 0.00017%; no homozygotes.

Submissions (2):

Women's Health and Genetics/Laboratory Corporation of America, LabCorp
Classification: Uncertain significance. Last evaluated: 2026-05-08. Review status: criteria provided, single submitter. Criteria: LabCorp Variant Classification Summary - May 2015. Collection method: clinical testing. Allele origin: germline.
Comment: Variant summary: MTOR c.7573G>A (p.Val2525Ile) results in a conservative amino acid change in the encoded protein sequence. Algorithms developed to predict the effect of missense changes on protein structure and function are either unavailable or do not agree on the potential impact of this missense change. The variant allele was found at a frequency of 4e-06 in 251466 control chromosomes. The available data on variant occurrences in the general population are insufficient to allow any conclusion about variant significance. To our knowledge, no occurrence of c.7573G>A in individuals affected with MTOR-related conditions and no experimental evidence demonstrating its impact on protein function have been reported. ClinVar contains an entry for this variant (Variation ID: 2790039). Based on the evidence outlined above, the variant was classified as uncertain significance.

Labcorp Genetics (formerly Invitae), Labcorp
Classification: Uncertain significance. Last evaluated: 2025-02-12. Review status: criteria provided, single submitter. Criteria: Invitae Variant Classification Sherloc (09022015). Collection method: clinical testing. Allele origin: germline.
Comment: This sequence change replaces valine, which is neutral and non-polar, with isoleucine, which is neutral and non-polar, at codon 2525 of the MTOR protein (p.Val2525Ile). This variant is present in population databases (rs377231271, gnomAD 0.002%). This variant has not been reported in the literature in individuals affected with MTOR-related conditions. ClinVar contains an entry for this variant (Variation ID: 2790039). Invitae Evidence Modeling of protein sequence and biophysical properties (such as structural, functional, and spatial information, amino acid conservation, physicochemical variation, residue mobility, and thermodynamic stability) has been performed for this missense variant. However, the output from this modeling did not meet the statistical confidence thresholds required to predict the impact of this variant on MTOR protein function. Experimental studies have shown that this missense change does not substantially affect MTOR function (PMID: 34197453). In summary, the available evidence is currently insufficient to determine the role of this variant in disease. Therefore, it has been classified as a Variant of Uncertain Significance.

Literature cited by the submitters: PubMed 34197453 (cited by Labcorp Genetics (formerly Invitae), Labcorp).

NM_004958.4(MTOR):c.7573G>A (p.Val2525Ile)

Gene: MTOR (mechanistic target of rapamycin kinase; minus strand). Cytogenetic location: 1p36.22.
Variant type: single nucleotide variant.
Coding change: c.7573G>A on transcript NM_004958.4 (MANE Select); coding-DNA position 7573, G replaced by A.
Protein change: p.Val2525Ile; replaces valine 2525 with isoleucine.
Molecular consequence: missense variant.
Genome position (GRCh38, 1-based): chr1:11,108,242, C>T on the plus strand (G>A on the coding strand, the complement: MTOR is on the minus strand). VCF-style: chr1-11108242-C-T. GRCh37 (hg19) VCF-style: chr1-11168299-C-T.
Other names: c.7573G>A, p.Val2525Ile (NM_001386500.1); c.6325G>A, p.Val2109Ile (NM_001386501.1); short protein forms V2525I, V2109I.
Identifiers: ClinVar variation 2790039 (VCV002790039.4), dbSNP rs377231271, ClinGen allele CA588785.